The following is an entry in ClinVar:

ClinVar aggregate classification (germline): Benign. Review status: criteria provided, multiple submitters, no conflicts (2 of 4 stars). 2 submissions from 2 submitters: Benign (2). Last evaluated 2018-01-13.

Conditions:
Noonan syndrome-like disorder with loose anagen hair 1 (NSLH1). Also called: TOSTI SYNDROME; MAZZANTI SYNDROME. Identifiers: Orphanet 2701, MedGen C4478716, MONDO:0054637, OMIM 607721.

Allele frequency attached by ClinVar (database versions not stated): 1000 Genomes Project 30x 0.15490; gnomAD 0.06997 and 0.07666; TOPMed 0.08232; 1000 Genomes Project 0.15735.

Submissions (2):

Illumina Laboratory Services, Illumina
Classification: Benign for Noonan syndrome-like disorder with loose anagen hair 1. Last evaluated: 2018-01-13. Review status: criteria provided, single submitter. Criteria: ICSL Variant Classification Criteria 13 December 2019. Collection method: clinical testing. Allele origin: germline.
Comment: This variant was observed in the ICSL laboratory as part of a predisposition screen in an ostensibly healthy population. It had not been previously curated by ICSL or reported in the Human Gene Mutation Database (HGMD: prior to June 1st, 2018), and was therefore a candidate for classification through an automated scoring system. Utilizing variant allele frequency, disease prevalence and penetrance estimates, and inheritance mode, an automated score was calculated to assess if this variant is too frequent to cause the disease. Based on the score and internal cut-off values, a variant classified as benign is not then subjected to further curation. The score for this variant resulted in a classification of benign for this disease.

Breakthrough Genomics
Classification: Benign. Review status: criteria provided, single submitter. Criteria: ACMG Guidelines, 2015. Collection method: not provided. Allele origin: germline. Inheritance: Autosomal dominant inheritance. Affected: yes.

NM_007373.4(SHOC2):c.*1503A>G

Gene: SHOC2 (SHOC2 leucine rich repeat scaffold protein; plus strand). Cytogenetic location: 10q25.2.
Variant type: single nucleotide variant.
Coding change: c.*1503A>G on transcript NM_007373.4 (MANE Select); 1503 bases downstream of the stop codon, A replaced by G.
Molecular consequence: 3 prime UTR variant. On other transcripts: non-coding transcript variant (1).
Genome position (GRCh38, 1-based): chr10:111,013,321, A>G. VCF-style: chr10-111013321-A-G. GRCh37 (hg19) VCF-style: chr10-112773079-A-G.
Other names: c.*1503A>G (NM_001269039.3, NM_001324336.2, NM_001324337.2).
Identifiers: ClinVar variation 298886 (VCV000298886.6), dbSNP rs1327552, ClinGen allele CA10634986.